The following is an entry in ClinVar:

NM_000038.6(APC):c.7793C>T (p.Thr2598Ile)

Gene: APC (APC regulator of Wnt signaling pathway; plus strand). Cytogenetic location: 5q22.2.
Variant type: single nucleotide variant.
Coding change: c.7793C>T on transcript NM_000038.6 (MANE Select); coding-DNA position 7793, C replaced by T.
Protein change: p.Thr2598Ile; replaces threonine 2598 with isoleucine.
Molecular consequence: missense variant.
Genome position (GRCh38, 1-based): chr5:112,843,387, C>T. VCF-style: chr5-112843387-C-T. GRCh37 (hg19) VCF-style: chr5-112179084-C-T.
Other names: c.7793C>T, p.Thr2598Ile (NM_001127510.3, NM_001354895.2); c.7739C>T, p.Thr2580Ile (NM_001127511.3); c.7847C>T, p.Thr2616Ile (NM_001354896.2); c.7823C>T, p.Thr2608Ile (NM_001354897.2); c.7718C>T, p.Thr2573Ile (NM_001354898.2); c.7709C>T, p.Thr2570Ile (NM_001354899.2); c.7670C>T, p.Thr2557Ile (NM_001354900.2); c.7616C>T, p.Thr2539Ile (NM_001354901.2); and 6 more; short protein forms T2438I, T2570I, T2573I, T2497I, T2598I, T2472I, T2507I, T2539I.
Identifiers: ClinVar variation 802147 (VCV000802147.16), dbSNP rs747339588, ClinGen allele CA16038258.

ClinVar aggregate classification (germline): Uncertain significance. Review status: criteria provided, multiple submitters, no conflicts (2 of 4 stars). 7 submissions from 7 submitters: Uncertain significance (7). Last evaluated 2025-09-16.

Conditions:
Classic or attenuated familial adenomatous polyposis. Identifiers: MedGen CN372698, MONDO:0021057.
Hereditary cancer-predisposing syndrome. Also called: Hereditary Cancer Syndrome; Neoplastic Syndromes, Hereditary; Tumor predisposition; Hereditary neoplastic syndrome. Identifiers: Orphanet 140162, MedGen C0027672, MeSH D009386, MONDO:0015356.
Familial adenomatous polyposis 1 (FAP1). Also called: POLYPOSIS, ADENOMATOUS INTESTINAL; FAMILIAL ADENOMATOUS POLYPOSIS 1, ATTENUATED. Identifiers: MedGen C2713442, MONDO:0021056, OMIM 175100. Disease mechanism: loss of function.

Submissions (7):

Labcorp Genetics (formerly Invitae), Labcorp
Classification: Uncertain significance for Familial adenomatous polyposis 1. Last evaluated: 2025-09-16. Review status: criteria provided, single submitter. Criteria: Invitae Variant Classification Sherloc (09022015). Collection method: clinical testing. Allele origin: germline.
Comment: This sequence change replaces threonine, which is neutral and polar, with isoleucine, which is neutral and non-polar, at codon 2598 of the APC protein (p.Thr2598Ile). This variant is not present in population databases (gnomAD no frequency). This variant has not been reported in the literature in individuals affected with APC-related conditions. ClinVar contains an entry for this variant (Variation ID: 802147). Invitae Evidence Modeling of protein sequence and biophysical properties (such as structural, functional, and spatial information, amino acid conservation, physicochemical variation, residue mobility, and thermodynamic stability) indicates that this missense variant is not expected to disrupt APC protein function with a negative predictive value of 95%. In summary, the available evidence is currently insufficient to determine the role of this variant in disease. Therefore, it has been classified as a Variant of Uncertain Significance.

Color Diagnostics, LLC DBA Color Health
Classification: Uncertain significance for Hereditary cancer-predisposing syndrome. Last evaluated: 2025-07-21. Review status: criteria provided, single submitter. Criteria: ACMG Guidelines, 2015. Collection method: clinical testing. Allele origin: germline.
Comment: This missense variant replaces threonine with isoleucine at codon 2598 of the APC protein. Computational prediction suggests that this variant may not impact protein structure and function. To our knowledge, functional studies have not been reported for this variant. This variant has not been reported in individuals affected with APC-related disorders in the literature. This variant has not been identified in the general population by the Genome Aggregation Database (gnomAD). The available evidence is insufficient to determine the role of this variant in disease conclusively. Therefore, this variant is classified as a Variant of Uncertain Significance.

Dasa
Classification: Uncertain significance. Last evaluated: 2025-06-25. Review status: criteria provided, single submitter. Criteria: DASA Assertion Criteria. Collection method: clinical testing. Allele origin: germline.
Comment: NM_000038.6(APC):c.7793C>T (p.Thr2598Ile) is a missense variant that results in the substitution of threonine with isoleucine. This variant is absent from population databases. The currently available literature and clinical evidence are not sufficient to establish a definitive association between this variant and the reported condition. Therefore, this variant is classified as a variant of uncertain significance.

Molecular Diagnostics Laboratory, Catalan Institute of Oncology
Classification: Uncertain significance for Hereditary cancer-predisposing syndrome. Last evaluated: 2024-09-02. Review status: criteria provided, single submitter. Criteria: ClinGen ACMG Specifications APC V1.0.0. Collection method: clinical testing. Allele origin: germline.
Comment: BP1, PM2_Supporting c.7793C>T, located in exon 16 of the APC gene, is predicted to result in the substitution of threonine by isoleucine at codon 2598, p.(Thr2598Ile)(BP1). It is not present in the population database gnomAD v2.1.1, non cancer dataset (PM2_supporting). The SpliceAI algorithm predicts no significant impact on splicing. In addition, the variant was also identified in the ClinVar database (4x uncertain significance) but it has not been identified in the LOVD database. Based on currently available information, the variant c.7793C>T is classified as an uncertain significance variant according to ClinGen-APC Guidelines version v1.

Department of Pathology and Laboratory Medicine, Sinai Health System
Classification: Uncertain significance for classic or attenuated familial adenomatous polyposis. Last evaluated: 2024-08-28. Review status: criteria provided, single submitter. Criteria: ACMG Guidelines, 2015. Collection method: clinical testing. Allele origin: germline.

Ambry Genetics
Classification: Uncertain significance for Hereditary cancer-predisposing syndrome. Last evaluated: 2024-06-04. Review status: criteria provided, single submitter. Criteria: Ambry Variant Classification Scheme 2023. Collection method: clinical testing. Allele origin: germline.
Comment: The p.T2598I variant (also known as c.7793C>T), located in coding exon 15 of the APC gene, results from a C to T substitution at nucleotide position 7793. The threonine at codon 2598 is replaced by isoleucine, an amino acid with similar properties. This amino acid position is conserved. In addition, in silico predictors for this gene do not accurately predict pathogenicity. Based on the available evidence, the clinical significance of this variant remains unclear.

Mendelics
Classification: Uncertain significance for Familial adenomatous polyposis 1. Last evaluated: 2019-05-28. Review status: criteria provided, single submitter. Criteria: Mendelics Assertion Criteria 2017. Collection method: clinical testing. Allele origin: unknown.